The following is an entry in ClinVar:

ClinVar aggregate classification (germline): Uncertain significance (1 of 4 stars; one submission).

Conditions:
Hypertrophic cardiomyopathy. Also called: HYPERTROPHIC MYOCARDIOPATHY. Identifiers: Orphanet 217569, MedGen C0007194, MeSH D002312, MONDO:0005045, HP:0001639.

Submission:

Labcorp Genetics (formerly Invitae), Labcorp
Classification: Uncertain significance for Hypertrophic cardiomyopathy. Last evaluated: 2022-08-15. Review status: criteria provided, single submitter. Criteria: Invitae Variant Classification Sherloc (09022015). Collection method: clinical testing. Allele origin: germline.
Comment: This sequence change replaces asparagine, which is neutral and polar, with lysine, which is basic and polar, at codon 597 of the MYH7 protein (p.Asn597Lys). This variant is not present in population databases (gnomAD no frequency). This missense change has been observed in individual(s) with clinical features of MYH7-related conditions (PMID: 27532257, 31931689). ClinVar contains an entry for this variant (Variation ID: 1012134). Algorithms developed to predict the effect of missense changes on protein structure and function (SIFT, PolyPhen-2, Align-GVGD) all suggest that this variant is likely to be disruptive. This variant is found within a region of MYH7 between codons 181 and 937 that contains the majority of the myosin head domain. Missense variants in this region have been shown to be significantly overrepresented in individuals with hypertrophic cardiomyopathy (PMID: 27532257). In summary, the available evidence is currently insufficient to determine the role of this variant in disease. Therefore, it has been classified as a Variant of Uncertain Significance.

Literature cited by the submitters: PubMed 27532257; PubMed 31931689.

NM_000257.4(MYH7):c.1791C>G (p.Asn597Lys)

Gene: MYH7 (myosin heavy chain 7; minus strand). Cytogenetic location: 14q11.2.
Variant type: single nucleotide variant.
Coding change: c.1791C>G on transcript NM_000257.4 (MANE Select); coding-DNA position 1791, C replaced by G.
Protein change: p.Asn597Lys; replaces asparagine 597 with lysine.
Molecular consequence: missense variant.
Genome position (GRCh38, 1-based): chr14:23,427,682, G>C on the plus strand (C>G on the coding strand, the complement: MYH7 is on the minus strand). VCF-style: chr14-23427682-G-C. GRCh37 (hg19) VCF-style: chr14-23896891-G-C.
Other names: short protein forms N597K.
Identifiers: ClinVar variation 1012134 (VCV001012134.8), dbSNP rs397516122, ClinGen allele CA389049807.